The following is an entry in ClinVar:

ClinVar aggregate classification (germline): Conflicting classifications of pathogenicity. Review status: criteria provided, conflicting classifications (1 of 4 stars). 2 submissions from 2 submitters: Uncertain significance (1); Likely benign (1). Last evaluated 2024-03-06.

Conditions:
Epidermolysis bullosa simplex 3, localized or generalized intermediate, with BP230 deficiency (EBS3). Also called: Epidermolysis bullosa simplex, autosomal recessive 2; Epidermolysis bullosa simplex due to BP230 deficiency. Identifiers: Orphanet 412181, MedGen C3809470, MONDO:0014180, OMIM 615425.
Hereditary sensory and autonomic neuropathy type 6. Also called: HSAN VI; Neuropathy, hereditary sensory and autonomic, type VI. Identifiers: Orphanet 314381, MedGen C3539003, MONDO:0013839, OMIM 614653.

Allele frequency attached by ClinVar (database versions not stated): gnomAD exomes 0.00001; ExAC 0.00004; TOPMed 0.00004; gnomAD 0.00006; ESP Exome Variant Server 0.00008.
gnomAD v4.1: 26 of 1,613,700 alleles (0.0016%); highest among the groups gnomAD compares: African/African-American, 0.016%; no homozygotes.

Submissions (2):

Labcorp Genetics (formerly Invitae), Labcorp
Classification: Uncertain significance for Epidermolysis bullosa simplex 3, localized or generalized intermediate, with BP230 deficiency; Hereditary sensory and autonomic neuropathy type 6. Last evaluated: 2024-03-06. Review status: criteria provided, single submitter. Criteria: Invitae Variant Classification Sherloc (09022015). Collection method: clinical testing. Allele origin: germline.
Comment: The DST gene has multiple clinically relevant transcripts. This variant occurs in alternate transcript NM_015548.4, and corresponds to NM_001723.5:c.*80350G>A in the primary transcript. This sequence change affects codon 3009 of the DST mRNA. It is a 'silent' change, meaning that it does not change the encoded amino acid sequence of the DST protein. This variant is present in population databases (rs369417587, gnomAD 0.01%). This variant has not been reported in the literature in individuals affected with DST-related conditions. Experimental studies and prediction algorithms are not available or were not evaluated, and the effect of this variant on mRNA splicing is currently unknown. In summary, the available evidence is currently insufficient to determine the role of this variant in disease. Therefore, it has been classified as a Variant of Uncertain Significance.

CeGaT Center for Human Genetics Tuebingen
Classification: Likely benign. Last evaluated: 2023-02-01. Review status: criteria provided, single submitter. Criteria: CeGaT Center For Human Genetics Tuebingen Variant Classification Criteria Version 2. Collection method: clinical testing. Allele origin: germline. Affected: yes. Observed: 1 variant allele.
Comment: DST: BP4, BP7

NM_001374736.1(DST):c.16896G>A (p.Pro5632=)

Gene: DST (dystonin; minus strand). Cytogenetic location: 6p12.1.
Variant type: single nucleotide variant.
Coding change: c.16896G>A on transcript NM_001374736.1 (MANE Select); coding-DNA position 16896, G replaced by A.
Protein change: p.Pro5632=; no amino-acid change (proline 5632 retained).
Molecular consequence: synonymous variant.
Genome position (GRCh38, 1-based): chr6:56,535,167, C>T on the plus strand (G>A on the coding strand, the complement: DST is on the minus strand). VCF-style: chr6-56535167-C-T. GRCh37 (hg19) VCF-style: chr6-56399965-C-T.
Other names: c.10539G>A, p.Pro3513= (NM_001144769.5); c.10125G>A, p.Pro3375= (NM_001144770.2); c.16896G>A, p.Pro5632= (NM_001374722.1); c.16263G>A, p.Pro5421= (NM_001374729.1); c.10005G>A, p.Pro3335= (NM_001374730.1, NM_001386100.1, NM_183380.4); c.16923G>A, p.Pro5641= (NM_001374734.1); c.9027G>A, p.Pro3009= (NM_015548.5).
Identifiers: ClinVar variation 2656656 (VCV002656656.26), dbSNP rs369417587, ClinGen allele CA3867576.